The following is an entry in ClinVar:

ClinVar aggregate classification (germline): Uncertain significance. Review status: criteria provided, single submitter (1 of 4 stars). 2 submissions from 2 submitters: Uncertain significance (1). 1 of the submissions does not count toward it. Last evaluated 2024-04-08.

Conditions:
Malignant tumor of breast. Also called: Malignant breast neoplasm; Cancer breast. Identifiers: MedGen C0006142, MONDO:0007254. Disease mechanism: loss of function.
Fanconi anemia (FA). Also called: Fanconi's anemia. Identifiers: Orphanet 84, MedGen C0015625, MeSH D005199, MONDO:0019391.

Submissions (2):

Labcorp Genetics (formerly Invitae), Labcorp
Classification: Uncertain significance for Fanconi anemia. Last evaluated: 2024-04-08. Review status: criteria provided, single submitter. Criteria: Invitae Variant Classification Sherloc (09022015). Collection method: clinical testing. Allele origin: germline.
Comment: This sequence change replaces leucine, which is neutral and non-polar, with phenylalanine, which is neutral and non-polar, at codon 71 of the FANCC protein (p.Leu71Phe). This variant is not present in population databases (gnomAD no frequency). This variant has not been reported in the literature in individuals affected with FANCC-related conditions. ClinVar contains an entry for this variant (Variation ID: 1049050). Advanced modeling of protein sequence and biophysical properties (such as structural, functional, and spatial information, amino acid conservation, physicochemical variation, residue mobility, and thermodynamic stability) performed at Invitae indicates that this missense variant is expected to disrupt FANCC protein function with a positive predictive value of 80%. In summary, the available evidence is currently insufficient to determine the role of this variant in disease. Therefore, it has been classified as a Variant of Uncertain Significance.

Department of Pathology and Laboratory Medicine, Sinai Health System
Classification: Uncertain significance for Malignant tumor of breast. Review status: no assertion criteria provided. Collection method: clinical testing. Allele origin: unknown. Affected: yes. Study: The Canadian Open Genetics Repository (COGR). Not counted in ClinVar's aggregate classification.
Comment: The FANCC p.Leu71Phe variant was not identified in the literature nor was it identified in the dbSNP, ClinVar, Cosmic, MutDB, or LOVD 3.0 databases. The variant was not identified in the following control databases: the 1000 Genomes Project, the NHLBI GO Exome Sequencing Project, the Exome Aggregation Consortium (August 8th 2016), or the Genome Aggregation Database (Feb 27, 2017). The p.Leu71 residue is conserved across mammals and other organisms, and four out of five computational analyses (PolyPhen-2, SIFT, AlignGVGD, BLOSUM, MutationTaster) suggest that the p.Leu71Phe variant may impact the protein; however, this information is not predictive enough to assume pathogenicity. The variant occurs outside of the splicing consensus sequence and in silico or computational prediction software programs (SpliceSiteFinder, MaxEntScan, NNSPLICE, GeneSplicer, HumanSpliceFinder) do not predict a difference in splicing. In summary, based on the above information, the clinical significance of this variant cannot be determined with certainty at this time. This variant is classified as a variant of uncertain significance.

NM_000136.3(FANCC):c.213G>T (p.Leu71Phe)

Gene: FANCC (FA complementation group C; minus strand). Cytogenetic location: 9q22.32.
Variant type: single nucleotide variant.
Coding change: c.213G>T on transcript NM_000136.3 (MANE Select); coding-DNA position 213, G replaced by T.
Protein change: p.Leu71Phe; replaces leucine 71 with phenylalanine.
Molecular consequence: missense variant.
Genome position (GRCh38, 1-based): chr9:95,247,469, C>A on the plus strand (G>T on the coding strand, the complement: FANCC is on the minus strand). VCF-style: chr9-95247469-C-A. GRCh37 (hg19) VCF-style: chr9-98009751-C-A.
Other names: c.213G>T, p.Leu71Phe (NM_001243743.2, NM_001243744.2); short protein forms L71F.
Identifiers: ClinVar variation 1049050 (VCV001049050.10), dbSNP rs2136091002, ClinGen allele CA374340069.